The following is an entry in ClinVar:

NC_000012.12:g.121626883C>T

Genes: ORAI1 (ORAI calcium release-activated calcium modulator 1; plus strand), LOC130008987 (ATAC-STARR-seq lymphoblastoid silent region 4981; plus strand). Cytogenetic location: 12q24.31.
Variant type: single nucleotide variant.
Genome position: GRCh38 VCF-style: chr12-121626883-C-T. GRCh37 (hg19) VCF-style: chr12-122064789-C-T.
Other names: c.136C>T, p.Pro46Ser (NM_032790.4); short protein forms P46S.
Identifiers: ClinVar variation 1981900 (VCV001981900.4), dbSNP rs782090818, ClinGen allele CA244608426.
Genomic context (GRCh38, chr12:121,626,883, plus strand): 5'-CCGCCGGAGCCGCCGCCGCAGCGGGGACGGGGAGCCCCCGGGGGCCCCGCCCCGCCACCG[C>T]CGCCGTCCGCCGTCACCTACCCGGACTGGATCGGCCAGAGTTACTCCGAGGTGATGAGCC-3'

ClinVar aggregate classification (germline): Uncertain significance (1 of 4 stars; one submission).

Conditions:
Myopathy, tubular aggregate, 2 (TAM2). Identifiers: MedGen C4014557, MONDO:0014383, OMIM 615883.
Combined immunodeficiency due to ORAI1 deficiency. Also called: IMMUNODEFICIENCY 9. Identifiers: Orphanet 169090, Orphanet 317428, MedGen C2748568, MONDO:0013007, OMIM 612782.

Allele frequency attached by ClinVar (database versions not stated): gnomAD exomes 0.00001.

Submission:

Labcorp Genetics (formerly Invitae), Labcorp
Classification: Uncertain significance for Myopathy, tubular aggregate, 2; Combined immunodeficiency due to ORAI1 deficiency. Last evaluated: 2025-06-29. Review status: criteria provided, single submitter. Criteria: Invitae Variant Classification Sherloc (09022015). Collection method: clinical testing. Allele origin: germline.
Comment: This sequence change replaces proline, which is neutral and non-polar, with serine, which is neutral and polar, at codon 46 of the ORAI1 protein (p.Pro46Ser). The frequency data for this variant in the population databases is considered unreliable, as metrics indicate poor data quality at this position in the gnomAD database. This variant has not been reported in the literature in individuals affected with ORAI1-related conditions. ClinVar contains an entry for this variant (Variation ID: 1981900). Experimental studies and prediction algorithms are not available or were not evaluated, and the functional significance of this variant is currently unknown. In summary, the available evidence is currently insufficient to determine the role of this variant in disease. Therefore, it has been classified as a Variant of Uncertain Significance.